The following is an entry in ClinVar:

ClinVar aggregate classification (germline): Uncertain significance (1 of 4 stars; one submission).

Conditions:
Developmental and epileptic encephalopathy, 23 (DEE23). Also called: Epileptic encephalopathy, early infantile, 23. Identifiers: Orphanet 411986, MedGen C4014492, MONDO:0014371, OMIM 615859.

Allele frequency attached by ClinVar (database versions not stated): TOPMed below 0.00001; gnomAD exomes 0.00001.
gnomAD v4.1: 8 of 1,597,216 alleles (0.0005%); highest among the groups gnomAD compares: Middle Eastern, 0.017%; no homozygotes.

Submission:

Labcorp Genetics (formerly Invitae), Labcorp
Classification: Uncertain significance for Developmental and epileptic encephalopathy, 23. Last evaluated: 2021-08-27. Review status: criteria provided, single submitter. Criteria: Invitae Variant Classification Sherloc (09022015). Collection method: clinical testing. Allele origin: germline.
Comment: This sequence change replaces asparagine with aspartic acid at codon 960 of the DOCK7 protein (p.Asn960Asp). The asparagine residue is moderately conserved and there is a small physicochemical difference between asparagine and aspartic acid. This variant is not present in population databases (ExAC no frequency). This variant has not been reported in the literature in individuals affected with DOCK7-related conditions. Algorithms developed to predict the effect of missense changes on protein structure and function are either unavailable or do not agree on the potential impact of this missense change (SIFT: "Tolerated"; PolyPhen-2: "Possibly Damaging"; Align-GVGD: "Class C0"). In summary, the available evidence is currently insufficient to determine the role of this variant in disease. Therefore, it has been classified as a Variant of Uncertain Significance.

NM_001367561.1(DOCK7):c.2878A>G (p.Asn960Asp)

Gene: DOCK7 (dedicator of cytokinesis 7; minus strand). Cytogenetic location: 1p31.3.
Variant type: single nucleotide variant.
Coding change: c.2878A>G on transcript NM_001367561.1 (MANE Select); coding-DNA position 2878, A replaced by G.
Protein change: p.Asn960Asp; replaces asparagine 960 with aspartic acid.
Molecular consequence: missense variant.
Genome position (GRCh38, 1-based): chr1:62,543,727, T>C on the plus strand (A>G on the coding strand, the complement: DOCK7 is on the minus strand). VCF-style: chr1-62543727-T-C. GRCh37 (hg19) VCF-style: chr1-63009398-T-C.
Other names: c.2878A>G, p.Asn960Asp (NM_001271999.2, NM_001330614.2); c.2785A>G, p.Asn929Asp (NM_001272000.2, NM_001272001.2, NM_033407.4); short protein forms N929D, N960D.
Identifiers: ClinVar variation 1036803 (VCV001036803.6), dbSNP rs1157004653, ClinGen allele CA340615030.